The following is an entry in ClinVar:

ClinVar aggregate classification (germline): Uncertain significance (1 of 4 stars; one submission).

Conditions:
Mucolipidosis type IV (ML4). Also called: ML IV. Identifiers: Orphanet 578, MedGen C0238286, MONDO:0009653, OMIM 252650.

Allele frequency attached by ClinVar (database versions not stated): ExAC 0.00001; gnomAD exomes 0.00001; gnomAD 0.00003; TOPMed 0.00004; ESP Exome Variant Server 0.00023.
gnomAD v4.1: 16 of 1,613,814 alleles (0.00099%); highest among the groups gnomAD compares: African/African-American, 0.0067%; no homozygotes.

Submission:

Labcorp Genetics (formerly Invitae), Labcorp
Classification: Uncertain significance for Mucolipidosis type IV. Last evaluated: 2022-02-18. Review status: criteria provided, single submitter. Criteria: Invitae Variant Classification Sherloc (09022015). Collection method: clinical testing. Allele origin: germline.
Comment: This sequence change replaces aspartic acid, which is acidic and polar, with asparagine, which is neutral and polar, at codon 384 of the MCOLN1 protein (p.Asp384Asn). The frequency data for this variant in the population databases is considered unreliable, as metrics indicate poor data quality at this position in the gnomAD database. This variant has not been reported in the literature in individuals affected with MCOLN1-related conditions. Algorithms developed to predict the effect of missense changes on protein structure and function are either unavailable or do not agree on the potential impact of this missense change (SIFT: "Tolerated"; PolyPhen-2: "Probably Damaging"; Align-GVGD: "Class C0"). In summary, the available evidence is currently insufficient to determine the role of this variant in disease. Therefore, it has been classified as a Variant of Uncertain Significance.

NM_020533.3(MCOLN1):c.1150G>A (p.Asp384Asn)

Gene: MCOLN1 (mucolipin TRP cation channel 1; plus strand). Cytogenetic location: 19p13.2.
Variant type: single nucleotide variant.
Coding change: c.1150G>A on transcript NM_020533.3 (MANE Select); coding-DNA position 1150, G replaced by A.
Protein change: p.Asp384Asn; replaces aspartic acid 384 with asparagine.
Molecular consequence: missense variant.
Genome position (GRCh38, 1-based): chr19:7,529,116, G>A. VCF-style: chr19-7529116-G-A. GRCh37 (hg19) VCF-style: chr19-7594002-G-A.
Other names: short protein forms D384N.
Identifiers: ClinVar variation 2163740 (VCV002163740.1), dbSNP rs368892419, ClinGen allele CA9139069.